The following is an entry in ClinVar:

ClinVar aggregate classification (germline): Uncertain significance (1 of 4 stars; one submission).

Conditions:
Hereditary diffuse gastric adenocarcinoma (HDGC). Also called: DIFFUSE GASTRIC AND LOBULAR BREAST CANCER SYNDROME. Identifiers: Orphanet 26106, MedGen C1708349, MONDO:0007648, OMIM 137215.

Submission:

Labcorp Genetics (formerly Invitae), Labcorp
Classification: Uncertain significance for Hereditary diffuse gastric adenocarcinoma. Last evaluated: 2019-10-12. Review status: criteria provided, single submitter. Criteria: Invitae Variant Classification Sherloc (09022015). Collection method: clinical testing. Allele origin: germline.
Comment: In summary, the available evidence is currently insufficient to determine the role of this variant in disease. Therefore, it has been classified as a Variant of Uncertain Significance. Algorithms developed to predict the effect of missense changes on protein structure and function (SIFT, PolyPhen-2, Align-GVGD) all suggest that this variant is likely to be tolerated, but these predictions have not been confirmed by published functional studies and their clinical significance is uncertain. This variant has not been reported in the literature in individuals with CDH1-related conditions. This variant is not present in population databases (ExAC no frequency). This sequence change replaces threonine with serine at codon 509 of the CDH1 protein (p.Thr509Ser). The threonine residue is highly conserved and there is a small physicochemical difference between threonine and serine.

NM_004360.5(CDH1):c.1525A>T (p.Thr509Ser)

Gene: CDH1 (cadherin 1; plus strand). Cytogenetic location: 16q22.1.
Variant type: single nucleotide variant.
Coding change: c.1525A>T on transcript NM_004360.5 (MANE Select); coding-DNA position 1525, A replaced by T.
Protein change: p.Thr509Ser; replaces threonine 509 with serine.
Molecular consequence: missense variant. On other transcripts: 5 prime UTR variant (2).
Genome position (GRCh38, 1-based): chr16:68,815,719, A>T. VCF-style: chr16-68815719-A-T. GRCh37 (hg19) VCF-style: chr16-68849622-A-T.
Other names: c.1342A>T, p.Thr448Ser (NM_001317184.2); c.-24A>T (NM_001317185.2); c.-295A>T (NM_001317186.2); short protein forms T509S, T448S.
Identifiers: ClinVar variation 956985 (VCV000956985.9), dbSNP rs761356661, ClinGen allele CA396463426.